The following is an entry in ClinVar:

ClinVar aggregate classification (germline): Uncertain significance. Review status: criteria provided, single submitter (1 of 4 stars). 2 submissions from 1 submitter: Uncertain significance (1). 1 of the submissions does not count toward it. Last evaluated 2023-01-21.

Conditions:
Cataract 14 multiple types. Also called: CATARACT 14, NUCLEAR CORALLIFORM; CATARACT 14, EMBRYONAL NUCLEAR; CATARACT 14, COPPOCK-LIKE; CATARACT 14, NUCLEAR PULVERULENT; CATARACT 14, NUCLEAR PULVERULENT AND POSTERIOR POLAR; CATARACT 14, ZONULAR PULVERULENT. Identifiers: Orphanet 91492, MedGen C1866078, MONDO:0011162, OMIM 601885.
Developmental cataract. Also called: Congenital cataract; Congenital cataracts; Bilateral cataracts. Identifiers: MedGen C0009691, HP:0000519.

Submissions (2):

Dept. Genetics and Cancer, Menzies Institute for Medical Research, University of Tasmania
Classification: Uncertain significance for Cataract 14 multiple types. Last evaluated: 2023-01-21. Review status: criteria provided, single submitter. Criteria: ACMG Guidelines, 2015. Collection method: curation. Allele origin: germline. Affected: yes.
Comment: Variant identified and curated during a GJA3 specific review of the literature in relation to pediatric or congenital cataract. ACMG-AMP criteria applied: PM1, PM2(supporting), PP3. Original variant reports: PMID:36161833. Gene review and curation guidelines are outlined in: DOI 10.1080/17469899.2023.2160320

Dept. Genetics and Cancer, Menzies Institute for Medical Research, University of Tasmania
Classification: Uncertain significance for Developmental cataract. Last evaluated: 2021-05-01. Review status: no assertion criteria provided. Criteria: ACMG Guidelines, 2015. Collection method: research. Allele origin: germline. Affected: yes. Not counted in ClinVar's aggregate classification.
Comment: PM2, PP3. Absent/near absent from population databases and multiple predictive tools assessing variant as damaging/pathogenic.

Literature cited by the submitters: PubMed 36161833.

NM_021954.4(GJA3):c.43C>A (p.Gln15Lys)

Gene: GJA3 (gap junction protein alpha 3; minus strand). Cytogenetic location: 13q12.11.
Variant type: single nucleotide variant.
Coding change: c.43C>A on transcript NM_021954.4 (MANE Select); coding-DNA position 43, C replaced by A.
Protein change: p.Gln15Lys; replaces glutamine 15 with lysine.
Molecular consequence: missense variant.
Genome position (GRCh38, 1-based): chr13:20,143,246, G>T on the plus strand (C>A on the coding strand, the complement: GJA3 is on the minus strand). VCF-style: chr13-20143246-G-T. GRCh37 (hg19) VCF-style: chr13-20717385-G-T.
Other names: short protein forms Q15K.
Identifiers: ClinVar variation 1065591 (VCV001065591.2), dbSNP rs1958823641, ClinGen allele CA387465969.
Genomic context (GRCh38, chr13:20,143,246, plus strand): 5'-AGATGCGGAAGATGAACAGCACGGTCAGCCAAACCTTGCCGATGACCGTGGAGTGCTCCT[G>T]TGCATTTTCTAAGAGTCTTCCCAGAAAGCTCCAGTCGCCCATTGCTTCAGATTCCTAACC-3'
Protein context (NP_068773.2, residues 5-25): SFLGRLLENA[Gln15Lys]EHSTVIGKVW